The following is an entry in ClinVar:

ClinVar aggregate classification (germline): Likely benign. Review status: criteria provided, single submitter (1 of 4 stars). 2 submissions from 2 submitters: Likely benign (1). 1 of the submissions does not count toward it. Last evaluated 2025-04-10.

Conditions:
DNMT3A-related disorder. Also called: DNMT3A-related condition; DNMT3A-related disorders.
Inborn genetic diseases. Identifiers: MedGen C0950123, MeSH D030342.

gnomAD v4.1: 32 of 1,612,844 alleles (0.002%); highest among the groups gnomAD compares: Non-Finnish European, 0.0027%; no homozygotes.

Submissions (2):

Ambry Genetics
Classification: Likely benign for Inborn genetic diseases. Last evaluated: 2025-04-10. Review status: criteria provided, single submitter. Criteria: Ambry Variant Classification Scheme 2023. Collection method: clinical testing. Allele origin: germline.

PreventionGenetics, part of Exact Sciences
Classification: Likely benign for DNMT3A-related condition. Last evaluated: 2023-04-18. Review status: no assertion criteria provided. Collection method: clinical testing. Allele origin: germline. Not counted in ClinVar's aggregate classification.
Comment: This variant is classified as likely benign based on ACMG/AMP sequence variant interpretation guidelines (Richards et al. 2015 PMID: 25741868, with internal and published modifications).

NM_022552.5(DNMT3A):c.2208C>T (p.Arg736=)

Gene: DNMT3A (DNA methyltransferase 3 alpha; minus strand). Cytogenetic location: 2p23.3.
Variant type: single nucleotide variant.
Coding change: c.2208C>T on transcript NM_022552.5 (MANE Select); coding-DNA position 2208, C replaced by T.
Protein change: p.Arg736=; no amino-acid change (arginine 736 retained).
Molecular consequence: synonymous variant. On other transcripts: non-coding transcript variant (1).
Genome position (GRCh38, 1-based): chr2:25,240,416, G>A on the plus strand (C>T on the coding strand, the complement: DNMT3A is on the minus strand). VCF-style: chr2-25240416-G-A. GRCh37 (hg19) VCF-style: chr2-25463285-G-A.
Other names: c.1752C>T, p.Arg584= (NM_001320893.1); c.1539C>T, p.Arg513= (NM_001375819.1); c.1641C>T, p.Arg547= (NM_153759.3); c.2208C>T, p.Arg736= (NM_175629.2); c.2208C>T (NM_022552.3).
Identifiers: ClinVar variation 3358264 (VCV003358264.2).